The following is an entry in ClinVar:

ClinVar aggregate classification (germline): Uncertain significance. Review status: criteria provided, multiple submitters, no conflicts (2 of 4 stars). 2 submissions from 2 submitters: Uncertain significance (2). Last evaluated 2025-07-20.

Conditions:
Malignant hyperthermia, susceptibility to, 1 (MHS1). Also called: RYR1-Related Malignant Hyperthermia Susceptibility; Anesthesia related hyperthermia; Malignant hyperpyrexia; Fulminating hyperpyrexia; Pharmacogenic myopathy; Malignant hyperthermia suceptibility 1. Identifiers: Orphanet 423, MedGen C2930980, MONDO:0007783, OMIM 145600.

gnomAD v4.1: 1 of 1,613,996 alleles (0.000062%); highest among the groups gnomAD compares: Non-Finnish European, 0.000085%; no homozygotes.

Submissions (2):

Color Diagnostics, LLC DBA Color Health
Classification: Uncertain significance for Malignant hyperthermia, susceptibility to, 1. Last evaluated: 2025-07-20. Review status: criteria provided, single submitter. Criteria: ACMG Guidelines, 2015. Collection method: clinical testing. Allele origin: germline.
Comment: This missense variant replaces aspartic acid with tyrosine at codon 2909 of the RYR1 protein. Computational prediction suggests that this variant may have deleterious impact on protein structure and function. To our knowledge, functional studies have not been reported for this variant. This variant has not been reported in individuals affected with RYR1-related disorders in the literature. This variant has not been identified in the general population by the Genome Aggregation Database (gnomAD). The available evidence is insufficient to determine the role of this variant in disease conclusively. Therefore, this variant is classified as a Variant of Uncertain Significance.

All of Us Research Program, National Institutes of Health
Classification: Uncertain significance for Malignant hyperthermia, susceptibility to, 1. Last evaluated: 2023-03-28. Review status: criteria provided, single submitter. Criteria: ACMG Guidelines, 2015. Collection method: clinical testing. Allele origin: germline. Inheritance: Autosomal dominant inheritance. Observed: 1 variant allele, 1 heterozygote.
Comment: This study involves interpretation of variants in research participants for the purpose of population health screening. Participant phenotype was not available at the time of variant classification. Additional details can be found in publication PMID: 35346344, PMCID: PMC8962531

NM_000540.3(RYR1):c.8725G>T (p.Asp2909Tyr)

Gene: RYR1 (ryanodine receptor 1; plus strand). Cytogenetic location: 19q13.2.
Variant type: single nucleotide variant.
Coding change: c.8725G>T on transcript NM_000540.3 (MANE Select); coding-DNA position 8725, G replaced by T.
Protein change: p.Asp2909Tyr; replaces aspartic acid 2909 with tyrosine.
Molecular consequence: missense variant.
Genome position (GRCh38, 1-based): chr19:38,506,861, G>T. VCF-style: chr19-38506861-G-T. GRCh37 (hg19) VCF-style: chr19-38997501-G-T.
Other names: c.8725G>T, p.Asp2909Tyr (NM_001042723.2); short protein forms D2909Y.
Identifiers: ClinVar variation 3069953 (VCV003069953.2), dbSNP rs372974107, ClinGen allele CA405680839.
Genomic context (GRCh38, chr19:38,506,861, plus strand): 5'-CCCTGATTTCTGGTCTTTGCCTCCCCAGGCGGTGGGACCCACCCCCTGCTGGTCCCCTAC[G>T]ACACGCTCACGGCCAAGGAGAAGGCACGAGATCGAGAGAAGGCCCAGGAGCTACTGAAAT-3'
Protein context (NP_000531.2, residues 2899-2919): GGTHPLLVPY[Asp2909Tyr]TLTAKEKARD